The following is an entry in ClinVar:

NM_002335.4(LRP5):c.2263C>G (p.Leu755Val)

Gene: LRP5 (LDL receptor related protein 5; plus strand). Cytogenetic location: 11q13.2.
Variant type: single nucleotide variant.
Coding change: c.2263C>G on transcript NM_002335.4 (MANE Select); coding-DNA position 2263, C replaced by G.
Protein change: p.Leu755Val; replaces leucine 755 with valine.
Molecular consequence: missense variant.
Genome position (GRCh38, 1-based): chr11:68,410,085, C>G. VCF-style: chr11-68410085-C-G. GRCh37 (hg19) VCF-style: chr11-68177553-C-G.
Other names: c.520C>G, p.Leu174Val (NM_001291902.2); short protein forms L174V, L755V.
Identifiers: ClinVar variation 1916494 (VCV001916494.5), dbSNP rs2153166485, ClinGen allele CA381616624.

ClinVar aggregate classification (germline): Uncertain significance (1 of 4 stars; one submission).

Submission:

Labcorp Genetics (formerly Invitae), Labcorp
Classification: Uncertain significance. Last evaluated: 2022-07-30. Review status: criteria provided, single submitter. Criteria: Invitae Variant Classification Sherloc (09022015). Collection method: clinical testing. Allele origin: germline.
Comment: In summary, the available evidence is currently insufficient to determine the role of this variant in disease. Therefore, it has been classified as a Variant of Uncertain Significance. Algorithms developed to predict the effect of missense changes on protein structure and function (SIFT, PolyPhen-2, Align-GVGD) all suggest that this variant is likely to be disruptive. This variant has not been reported in the literature in individuals affected with LRP5-related conditions. This variant is not present in population databases (gnomAD no frequency). This sequence change replaces leucine, which is neutral and non-polar, with valine, which is neutral and non-polar, at codon 755 of the LRP5 protein (p.Leu755Val).